The following is an entry in ClinVar:

NM_000334.4(SCN4A):c.479T>G (p.Val160Gly)

Gene: SCN4A (sodium voltage-gated channel alpha subunit 4; minus strand). Cytogenetic location: 17q23.3.
Variant type: single nucleotide variant.
Coding change: c.479T>G on transcript NM_000334.4 (MANE Select); coding-DNA position 479, T replaced by G.
Protein change: p.Val160Gly; replaces valine 160 with glycine.
Molecular consequence: missense variant.
Genome position (GRCh38, 1-based): chr17:63,972,139, A>C on the plus strand (T>G on the coding strand, the complement: SCN4A is on the minus strand). VCF-style: chr17-63972139-A-C. GRCh37 (hg19) VCF-style: chr17-62049499-A-C.
Other names: short protein forms V160G.
Identifiers: ClinVar variation 1409571 (VCV001409571.6), dbSNP rs2144814286, ClinGen allele CA400639416.

ClinVar aggregate classification (germline): Uncertain significance (1 of 4 stars; one submission).

Conditions:
Hyperkalemic periodic paralysis. Also called: Familial hyperkalemic periodic paralysis; Gamstorp disease. Identifiers: Orphanet 682, MedGen C0238357, MONDO:0008224, OMIM 170500, HP:0007215.

gnomAD v4.1: 1 of 1,611,704 alleles (0.000062%); no homozygotes.

Submission:

Labcorp Genetics (formerly Invitae), Labcorp
Classification: Uncertain significance for Hyperkalemic periodic paralysis. Last evaluated: 2021-08-26. Review status: criteria provided, single submitter. Criteria: Invitae Variant Classification Sherloc (09022015). Collection method: clinical testing. Allele origin: germline.
Comment: This variant is not present in population databases (ExAC no frequency). This variant has not been reported in the literature in individuals affected with SCN4A-related conditions. Algorithms developed to predict the effect of missense changes on protein structure and function are either unavailable or do not agree on the potential impact of this missense change (SIFT: "Deleterious"; PolyPhen-2: "Benign"; Align-GVGD: "Class C65"). In summary, the available evidence is currently insufficient to determine the role of this variant in disease. Therefore, it has been classified as a Variant of Uncertain Significance. This sequence change replaces valine with glycine at codon 160 of the SCN4A protein (p.Val160Gly). The valine residue is highly conserved and there is a moderate physicochemical difference between valine and glycine.